The following is an entry in ClinVar:

NM_016156.6(MTMR2):c.753TGA[1] (p.Asp252del)

Gene: MTMR2 (myotubularin related protein 2; minus strand). Cytogenetic location: 11q21.
Variant type: Microsatellite.
Coding change: c.753TGA[1] on transcript NM_016156.6 (MANE Select); one copy of the 3-base unit TGA starting at c.753; the reference has two copies in a row; one copy, 3 bases deleted.
Protein change: p.Asp252del; deletes aspartic acid 252.
Molecular consequence: inframe deletion.
Genome position (GRCh38, 1-based): chr11:95,850,646-95,850,648, TCA deleted on the plus strand (TGA on the coding strand, the reverse complement: MTMR2 is on the minus strand); deleting any 3 consecutive bases within chr11:95,850,646-95,850,651 gives the same sequence; the position shown is the placement nearest the transcript's 3' end. VCF-style (leftmost placement, unchanged base first): chr11-95850645-TTCA-T. GRCh37 (hg19) VCF-style: chr11-95583809-TTCA-T.
Other names: c.537TGA[1], p.Asp180del (NM_001243571.2, NM_201278.3, NM_201281.3); c.756_758delTGA (NM_016156.5); short protein forms D252del, D180del.
Identifiers: ClinVar variation 241076 (VCV000241076.6), dbSNP rs878855016, ClinGen allele CA10582956.

ClinVar aggregate classification (germline): Uncertain significance (1 of 4 stars; one submission).

Conditions:
Charcot-Marie-Tooth disease type 4. Also called: Charcot-Marie-Tooth, Type 4; Charcot-Marie-Tooth disease, type IV. Identifiers: Orphanet 64749, MedGen C4082197, MONDO:0018995.

Submission:

Labcorp Genetics (formerly Invitae), Labcorp
Classification: Uncertain significance for Charcot-Marie-Tooth disease type 4. Last evaluated: 2016-02-25. Review status: criteria provided, single submitter. Criteria: Invitae Variant Classification Sherloc (09022015). Collection method: clinical testing. Allele origin: germline.
Comment: This variant is not present in population databases (ExAC no frequency) and has not been reported in the literature in individuals with a MTMR2-related disease. This sequence change deletes 3 nucleotides from exon 8 of the MTMR2 mRNA (c.756_758delTGA). This leads to the deletion of 1 amino acid residue in the MTMR2 protein (p.Asp252del) but otherwise preserves the integrity of the reading frame. In summary, this is a novel in-frame deletion with uncertain impact on protein function. It has been classified as a Variant of Uncertain Significance. This deletion affects a highly conserved aspartic acid residue and is located in the functionally important protein tyrosine phosphatase domain of the MTMR2 protein (PMID: 14690594, 16262718).

Literature cited by the submitters: PubMed 14690594; PubMed 16262718.